The following is an entry in ClinVar:

NM_001365536.1(SCN9A):c.3706A>G (p.Ile1236Val)

Genes: SCN1A-AS1 (SCN1A and SCN9A antisense RNA 1; plus strand), SCN9A (sodium voltage-gated channel alpha subunit 9; minus strand). Cytogenetic location: 2q24.3.
Variant type: single nucleotide variant.
Coding change: c.3706A>G on transcript NM_001365536.1 (MANE Select); coding-DNA position 3706, A replaced by G.
Protein change: p.Ile1236Val; replaces isoleucine 1236 with valine.
Molecular consequence: missense variant.
Genome position (GRCh38, 1-based): chr2:166,238,189, T>C on the plus strand (A>G on the coding strand, the complement: SCN9A is on the minus strand). VCF-style: chr2-166238189-T-C. GRCh37 (hg19) VCF-style: chr2-167094699-T-C.
Other names: c.3673A>G, p.Ile1225Val (NM_002977.4); short protein forms I1225V, I1236V.
Identifiers: ClinVar variation 1163420 (VCV001163420.10), dbSNP rs1207290572, ClinGen allele CA349068730.
Genomic context (GRCh38, chr2:166,238,189, plus strand): 5'-TGGTGAAATATGTTTTATAACCATATGCTATCCATTTTAGAAGCATTTCCAGAATGAAGA[T>C]GTAAGTGAAGATCTTGTCTGCATACTCCAGGATAATCTTAATGGTCTTTTTCCTTTCAAT-3'
Protein context (NP_001352465.1, residues 1226-1246): LEYADKIFTY[Ile1236Val]FILEMLLKWI

ClinVar aggregate classification (germline): Conflicting classifications of pathogenicity. Review status: criteria provided, conflicting classifications (1 of 4 stars). 3 submissions from 3 submitters: Uncertain significance (2); Likely benign (1). Last evaluated 2025-10-22.

Conditions:
Neuropathy, hereditary sensory and autonomic, type 2A (HSAN2A). Also called: ACROOSTEOLYSIS, GIACCAI TYPE; ACROOSTEOLYSIS, NEUROGENIC; HSAN IIA; WNK1-Related HSAN2 (HSAN2A); MORVAN DISEASE; NEUROPATHY, CONGENITAL SENSORY. Identifiers: Orphanet 970, MedGen C2752089, MONDO:0024309, OMIM 201300.
Generalized epilepsy with febrile seizures plus, type 7 (GEFSP7). Also called: GEFS+, TYPE 7. Identifiers: Orphanet 36387, MedGen C2751778, MONDO:0013470, OMIM 613863.
Inborn genetic diseases. Identifiers: MedGen C0950123, MeSH D030342.

Allele frequency attached by ClinVar (database versions not stated): gnomAD exomes below 0.00001.
gnomAD v4.1: 3 of 1,607,610 alleles (0.00019%); highest among the groups gnomAD compares: Admixed American, 0.0017%; no homozygotes.

Submissions (3):

Ambry Genetics
Classification: Likely benign for Inborn genetic diseases. Last evaluated: 2025-10-22. Review status: criteria provided, single submitter. Criteria: Ambry Variant Classification Scheme 2023. Collection method: clinical testing. Allele origin: germline.

Labcorp Genetics (formerly Invitae), Labcorp
Classification: Uncertain significance for Neuropathy, hereditary sensory and autonomic, type 2A; Generalized epilepsy with febrile seizures plus, type 7. Last evaluated: 2025-09-24. Review status: criteria provided, single submitter. Criteria: Invitae Variant Classification Sherloc (09022015). Collection method: clinical testing. Allele origin: germline.
Comment: This sequence change replaces isoleucine, which is neutral and non-polar, with valine, which is neutral and non-polar, at codon 1225 of the SCN9A protein (p.Ile1225Val). This variant is present in population databases (no rsID available, gnomAD 0.003%). This variant has not been reported in the literature in individuals affected with SCN9A-related conditions. ClinVar contains an entry for this variant (Variation ID: 1163420). Invitae Evidence Modeling of protein sequence and biophysical properties (such as structural, functional, and spatial information, amino acid conservation, physicochemical variation, residue mobility, and thermodynamic stability) indicates that this missense variant is not expected to disrupt SCN9A protein function with a negative predictive value of 95%. In summary, the available evidence is currently insufficient to determine the role of this variant in disease. Therefore, it has been classified as a Variant of Uncertain Significance.

Mayo Clinic Laboratories, Mayo Clinic
Classification: Uncertain significance. Last evaluated: 2019-10-09. Review status: criteria provided, single submitter. Criteria: ACMG Guidelines, 2015. Collection method: clinical testing. Allele origin: germline. Observed: 1 variant allele.